The following is an entry in ClinVar:

ClinVar aggregate classification (germline): Uncertain significance (1 of 4 stars; one submission).

Conditions:
Gastrointestinal stromal tumor. Also called: Gastrointestinal stroma tumor; Gastrointestinal stromal tumor, somatic. Identifiers: Orphanet 44890, MedGen C0238198, MeSH D046152, MONDO:0011719, OMIM 606764, HP:0100723.

Submission:

Labcorp Genetics (formerly Invitae), Labcorp
Classification: Uncertain significance for Gastrointestinal stromal tumor. Last evaluated: 2021-10-07. Review status: criteria provided, single submitter. Criteria: Invitae Variant Classification Sherloc (09022015). Collection method: clinical testing. Allele origin: germline.
Comment: This sequence change replaces aspartic acid with glycine at codon 458 of the KIT protein (p.Asp458Gly). The aspartic acid residue is highly conserved and there is a moderate physicochemical difference between aspartic acid and glycine. This variant is not present in population databases (ExAC no frequency). This variant has not been reported in the literature in individuals affected with KIT-related conditions. Algorithms developed to predict the effect of missense changes on protein structure and function are either unavailable or do not agree on the potential impact of this missense change (SIFT: "Deleterious"; PolyPhen-2: "Benign"; Align-GVGD: "Class C15"). Algorithms developed to predict the effect of sequence changes on RNA splicing suggest that this variant may create or strengthen a splice site. In summary, the available evidence is currently insufficient to determine the role of this variant in disease. Therefore, it has been classified as a Variant of Uncertain Significance.

NM_000222.3(KIT):c.1373A>G (p.Asp458Gly)

Gene: KIT (KIT proto-oncogene, receptor tyrosine kinase; plus strand). Cytogenetic location: 4q12.
Variant type: single nucleotide variant.
Coding change: c.1373A>G on transcript NM_000222.3 (MANE Select); coding-DNA position 1373, A replaced by G.
Protein change: p.Asp458Gly; replaces aspartic acid 458 with glycine.
Molecular consequence: missense variant.
Genome position (GRCh38, 1-based): chr4:54,725,883, A>G. VCF-style: chr4-54725883-A-G. GRCh37 (hg19) VCF-style: chr4-55592049-A-G.
Other names: c.1373A>G, p.Asp458Gly (NM_001093772.2, NM_001385285.1, NM_001385286.1); c.1376A>G, p.Asp459Gly (NM_001385284.1, NM_001385288.1, NM_001385290.1 and 1 more transcripts); short protein forms D459G, D458G.
Identifiers: ClinVar variation 1390444 (VCV001390444.6), dbSNP rs1553891403, ClinGen allele CA356906259.